The following is an entry in ClinVar:

ClinVar aggregate classification (germline): Conflicting classifications of pathogenicity. Review status: criteria provided, conflicting classifications (1 of 4 stars). 5 submissions from 5 submitters: Likely pathogenic (2); Uncertain significance (3). Last evaluated 2025-07-11.

Conditions:
RYR1-related disorder. Also called: RYR1-related condition; RYR1-related disorders. Identifiers: MedGen CN239331.
Malignant hyperthermia, susceptibility to, 1 (MHS1). Also called: RYR1-Related Malignant Hyperthermia Susceptibility; Anesthesia related hyperthermia; Malignant hyperpyrexia; Fulminating hyperpyrexia; Pharmacogenic myopathy; Malignant hyperthermia suceptibility 1. Identifiers: Orphanet 423, MedGen C2930980, MONDO:0007783, OMIM 145600.

Allele frequency attached by ClinVar (database versions not stated): gnomAD exomes 0.00002.
gnomAD v4.1: 22 of 1,591,364 alleles (0.0014%); highest among the groups gnomAD compares: Non-Finnish European, 0.0019%; no homozygotes.

Submissions (5):

Mayo Clinic Laboratories, Mayo Clinic
Classification: Uncertain significance. Last evaluated: 2025-07-11. Review status: criteria provided, single submitter. Criteria: ACMG Guidelines, 2015. Collection method: clinical testing. Allele origin: germline. Observed: 1 variant allele.
Comment: PP3_moderate

GeneDx
Classification: Likely pathogenic. Last evaluated: 2025-04-01. Review status: criteria provided, single submitter. Criteria: GeneDx Variant Classification Process June 2021. Collection method: clinical testing. Allele origin: germline.
Comment: Has not been previously published as pathogenic or benign to our knowledge; Not observed at significant frequency in large population cohorts (gnomAD); In silico analysis supports that this missense variant has a deleterious effect on protein structure/function; This variant is associated with the following publications: (PMID: 32236737)

Labcorp Genetics (formerly Invitae), Labcorp
Classification: Likely pathogenic for RYR1-related disorder. Last evaluated: 2024-10-18. Review status: criteria provided, single submitter. Criteria: Invitae Variant Classification Sherloc (09022015). Collection method: clinical testing. Allele origin: germline.
Comment: This sequence change replaces phenylalanine, which is neutral and non-polar, with leucine, which is neutral and non-polar, at codon 4218 of the RYR1 protein (p.Phe4218Leu). This variant is not present in population databases (gnomAD no frequency). This missense change has been observed in individual(s) with clinical features of RYR1-related disease (internal data). In at least one individual the data is consistent with being in trans (on the opposite chromosome) from a pathogenic variant. ClinVar contains an entry for this variant (Variation ID: 590411). Invitae Evidence Modeling of protein sequence and biophysical properties (such as structural, functional, and spatial information, amino acid conservation, physicochemical variation, residue mobility, and thermodynamic stability) indicates that this missense variant is expected to disrupt RYR1 protein function with a positive predictive value of 80%. In summary, the currently available evidence indicates that the variant is pathogenic, but additional data are needed to prove that conclusively. Therefore, this variant has been classified as Likely Pathogenic.

All of Us Research Program, National Institutes of Health
Classification: Uncertain significance for Malignant hyperthermia, susceptibility to, 1. Last evaluated: 2023-05-16. Review status: criteria provided, single submitter. Criteria: ACMG Guidelines, 2015. Collection method: clinical testing. Allele origin: germline. Inheritance: Autosomal dominant inheritance. Observed: 2 variant alleles, 2 heterozygotes.
Comment: This missense variant replaces phenylalanine with leucine at codon 4218 of the RYR1 protein. Computational prediction suggests that this variant may have deleterious impact on protein structure and function (internally defined REVEL score threshold >= 0.7, PMID: 27666373). To our knowledge, functional studies have not been reported for this variant. This variant has not been reported in individuals affected with RYR1-related disorders in the literature. This variant has not been identified in the general population by the Genome Aggregation Database (gnomAD). The available evidence is insufficient to determine the role of this variant in disease conclusively. Therefore, this variant is classified as a Variant of Uncertain Significance.

This study involves interpretation of variants in research participants for the purpose of population health screening. Participant phenotype was not available at the time of variant classification. Additional details can be found in publication PMID: 35346344, PMCID: PMC8962531

PreventionGenetics, part of Exact Sciences
Classification: Uncertain significance. Last evaluated: 2013-10-29. Review status: criteria provided, single submitter. Criteria: ACMG Guidelines, 2015. Collection method: clinical testing. Allele origin: germline.

Literature cited by the submitters: PubMed 32236737 (cited by Mayo Clinic Laboratories, Mayo Clinic).

NM_000540.3(RYR1):c.12652T>C (p.Phe4218Leu)

Gene: RYR1 (ryanodine receptor 1; plus strand). Cytogenetic location: 19q13.2.
Variant type: single nucleotide variant.
Coding change: c.12652T>C on transcript NM_000540.3 (MANE Select); coding-DNA position 12652, T replaced by C.
Protein change: p.Phe4218Leu; replaces phenylalanine 4218 with leucine.
Molecular consequence: missense variant.
Genome position (GRCh38, 1-based): chr19:38,564,986, T>C. VCF-style: chr19-38564986-T-C. GRCh37 (hg19) VCF-style: chr19-39055626-T-C.
Other names: p.Phe4218Leu; c.12637T>C, p.Phe4213Leu (NM_001042723.2); short protein forms F4218L, F4213L.
Identifiers: ClinVar variation 590411 (VCV000590411.14), dbSNP rs1568581720, ClinGen allele CA405670843.